The following is an entry in ClinVar:

ClinVar aggregate classification (germline): drug response (0 of 4 stars; one submission).

Conditions:
Thalidomide response. Identifiers: MedGen CN297989.

gnomAD v4.1: 242,139 of 949,458 alleles (26%); highest among the groups gnomAD compares: East Asian, 40%; 50,623 homozygotes.

Submission:

Rare Diseases Genetics and Genomics, Islamia College Peshawar
Classification: drug response for Thalidomide response. Review status: no assertion criteria provided. Collection method: research. Allele origin: germline. Affected: yes.
Comment: this variant was associated with excellent response to thalidomide (achieving transfusion independence)

NM_007153.3(ZNF208):c.1918A>G (p.Lys640Glu)

Gene: ZNF208 (zinc finger protein 208; minus strand). Cytogenetic location: 19p12.
Variant type: single nucleotide variant.
Coding change: c.1918A>G on transcript NM_007153.3 (MANE Select); coding-DNA position 1918, A replaced by G.
Protein change: p.Lys640Glu; replaces lysine 640 with glutamic acid.
Molecular consequence: missense variant. On other transcripts: intron variant (4).
Genome position (GRCh38, 1-based): chr19:21,973,116, T>C on the plus strand (A>G on the coding strand, the complement: ZNF208 is on the minus strand). VCF-style: chr19-21973116-T-C. GRCh37 (hg19) VCF-style: chr19-22155918-T-C.
Other names: c.226+14100A>G (NM_001329974.2); c.305+1613A>G (NM_001329971.2, NM_001329973.1); c.227-12332A>G (NM_001329972.1); short protein forms K640E.
Identifiers: ClinVar variation 3900039 (VCV003900039.1).